The following is an entry in ClinVar:

ClinVar aggregate classification (germline): Pathogenic/Likely pathogenic. Review status: criteria provided, multiple submitters, no conflicts (2 of 4 stars). 6 submissions from 6 submitters: Pathogenic (2); Likely pathogenic (2). 2 of the submissions do not count toward it. Last evaluated 2026-01-13.

Conditions:
Cystinosis. Also called: Cystine diathesis; Cystine storage disease; Cystinoses. Identifiers: Orphanet 213, MedGen C4316899, MONDO:0016239.
Ocular cystinosis. Also called: Non-Nephropathic (Ocular) Cystinosis; Non-Nephropathic Cystinosis. Identifiers: Orphanet 213, Orphanet 411641, MedGen C2931013, MONDO:0009064, OMIM 219750.
Juvenile nephropathic cystinosis. Also called: Later-Onset (Juvenile) Cystinosis; Intermediate Cystinosis; CYSTINOSIS, LATE-ONSET JUVENILE OR ADOLESCENT NEPHROPATHIC TYPE. Identifiers: Orphanet 213, Orphanet 411634, MedGen C0268626, MONDO:0009066, OMIM 219900.
Inborn genetic diseases. Identifiers: MedGen C0950123, MeSH D030342.
Nephrotic syndrome. Identifiers: MedGen C0027726, MONDO:0005377, HP:0000100.
Nephropathic cystinosis (CTNS). Also called: CYSTINOSIN, DEFECT OF; LYSOSOMAL CYSTINE TRANSPORT PROTEIN, DEFECT OF; Abderhalden Lignac Kaufmann disease; Abderhalden-Kaufmann-Lignac syndrome. Identifiers: Orphanet 213, Orphanet 411629, MedGen C2931187, MONDO:0100151, OMIM 219800.

Submissions (6):

Labcorp Genetics (formerly Invitae), Labcorp
Classification: Pathogenic for Inborn genetic diseases; Ocular cystinosis; Juvenile nephropathic cystinosis. Last evaluated: 2026-01-13. Review status: criteria provided, single submitter. Criteria: Invitae Variant Classification Sherloc (09022015). Collection method: clinical testing. Allele origin: germline.
Comment: This variant, c.809_811del, results in the deletion of 1 amino acid(s) of the CTNS protein (p.Ser270del), but otherwise preserves the integrity of the reading frame. This variant is present in population databases (rs767512266, gnomAD 0.006%). This variant has been observed in individual(s) with clinical features of cystinosis (PMID: 10556299, 27151922, 29127259). ClinVar contains an entry for this variant (Variation ID: 189020). Algorithms developed to predict the effect of variants on gene product structure and function are not available or were not evaluated for this variant. Experimental studies have shown that this variant affects CTNS function (PMID: 15128704). This variant disrupts a region of the CTNS protein in which other variant(s) (p.Ser270Phe) have been determined to be pathogenic (PMID: 19863563, 25326109; internal data). This suggests that this is a clinically significant region of the protein, and that variants that disrupt it are likely to be disease-causing. For these reasons, this variant has been classified as Pathogenic.

Variantyx, Inc.
Classification: Likely pathogenic for Nephropathic cystinosis. Last evaluated: 2025-05-08. Review status: criteria provided, single submitter. Criteria: Variantyx Assertion Criteria 2022. Collection method: clinical testing. Allele origin: germline. Inheritance: Autosomal recessive inheritance. Affected: no.
Comment: This is an inframe substitution variant in the CTNS gene (OMIM: 606272). Pathogenic variants in this gene have been associated with autosomal recessive nephropathic cystinosis. This variant causes an in-frame deletion of a single amino acid at position 270 of the CTNS protein (PM4_Supporting). It has been identified in the homozygous or compound heterozygous state in at least one individuals reported in the published literature (PMID:27625850) (PM3). Functional studies have shown that this variant alters CTNS protein function (PMID:15128704) (PS3). The maximum allele frequency in non-founder control populations of this variant is 0.0093% (PM2). Based on the current evidence, this variant is classified as likely pathogenic for autosomal recessive nephropathic cystinosis.

Natera, Inc.
Classification: Likely pathogenic for Cystinosis. Last evaluated: 2024-12-18. Review status: criteria provided, single submitter. Criteria: Natera Variant Classification Schema (03/2026). Collection method: clinical testing. Allele origin: germline.
Comment: The c.809_811del variant in CTNS is an in-frame deletion predicted to remove serine at amino acid 270 while preserving the reading frame. This variant is rare in the general population with a frequency below the threshold expected for the associated phenotype(s). This variant has been observed in one or more individuals affected with the associated recessive disease, as either homozygous or compound heterozygous with a second variant (PMID: 19580442, 24464559, 27625850). Functional studies show that this variant may disrupt protein function (PMID: 15128704). This variant results in a change to the protein length while preserving reading frame, which may disrupt normal protein structure or function. Computational prediction algorithms indicate this variant is likely to affect gene or protein function. Given the available evidence, this variant is classified as Likely Pathogenic.

Baylor Genetics
Classification: Pathogenic for Nephropathic cystinosis. Last evaluated: 2022-02-06. Review status: criteria provided, single submitter. Criteria: ACMG Guidelines, 2015. Collection method: clinical testing. Allele origin: unknown.

Yale Center for Mendelian Genomics, Yale University
Classification: Likely pathogenic for Nephrotic syndrome. Last evaluated: 2017-11-10. Review status: no assertion criteria provided. Collection method: literature only. Allele origin: germline. Affected: yes. Observed: 3 homozygotes. Study: Yale Center for Mendelian Genomics. Not counted in ClinVar's aggregate classification.

Counsyl
Classification: Likely pathogenic for Cystinosis. Last evaluated: 2014-10-16. Review status: no assertion criteria provided. Collection method: literature only. Allele origin: unknown. Inheritance: Autosomal recessive inheritance. Not counted in ClinVar's aggregate classification.

Literature cited by the submitters: PubMed 10556299 (cited by Labcorp Genetics (formerly Invitae), Labcorp and Counsyl); PubMed 27151922 (cited by Labcorp Genetics (formerly Invitae), Labcorp); PubMed 29127259 (cited by Labcorp Genetics (formerly Invitae), Labcorp and Yale Center for Mendelian Genomics, Yale University); PubMed 15128704 (cited by 3 submitters); PubMed 19863563 (cited by Labcorp Genetics (formerly Invitae), Labcorp); PubMed 25326109 (cited by Labcorp Genetics (formerly Invitae), Labcorp); PubMed 27625850 (cited by Variantyx, Inc. and Natera, Inc.); PubMed 19580442 (cited by Natera, Inc. and Counsyl); PubMed 24464559 (cited by Natera, Inc. and Counsyl).

NM_004937.3(CTNS):c.809_811del (p.Ser270del)

Gene: CTNS (cystinosin, lysosomal cystine transporter; plus strand). Cytogenetic location: 17p13.2.
Variant type: Deletion.
Coding change: c.809_811del on transcript NM_004937.3 (MANE Select); coding-DNA positions 809 to 811, 3 bases deleted (CCT; older notation c.809_811delCCT).
Protein change: p.Ser270del; deletes serine 270.
Molecular consequence: inframe deletion.
Genome position (GRCh38, 1-based): chr17:3,658,132-3,658,134, CCT deleted; deleting any 3 consecutive bases within chr17:3,658,130-3,658,134 gives the same sequence; the c. name uses the placement nearest the transcript's 3' end. VCF-style (leftmost placement, unchanged base first): chr17-3658129-TCTC-T. GRCh37 (hg19) VCF-style: chr17-3561423-TCTC-T.
Other names: c.809_811del (NM_004937.2); c.809_811del, p.Ser270del (NM_001031681.3, NM_001374492.1); c.368_370del, p.Ser123del (NM_001374493.1, NM_001374494.1, NM_001374495.1 and 1 more transcripts); short protein forms S270del, S123del.
Identifiers: ClinVar variation 189020 (VCV000189020.8), dbSNP rs786204632, ClinGen allele CA278481.